The following is an entry in ClinVar:

NM_004667.6(HERC2):c.4625G>A (p.Arg1542His)

Gene: HERC2 (HECT and RLD domain containing E3 ubiquitin protein ligase 2; minus strand). Cytogenetic location: 15q13.1.
Variant type: single nucleotide variant.
Coding change: c.4625G>A on transcript NM_004667.6 (MANE Select); coding-DNA position 4625, G replaced by A.
Protein change: p.Arg1542His; replaces arginine 1542 with histidine.
Molecular consequence: missense variant.
Genome position (GRCh38, 1-based): chr15:28,233,196, C>T on the plus strand (G>A on the coding strand, the complement: HERC2 is on the minus strand). VCF-style: chr15-28233196-C-T. GRCh37 (hg19) VCF-style: chr15-28478342-C-T.
Other names: short protein forms R1542H.
Identifiers: ClinVar variation 452984 (VCV000452984.31), dbSNP rs112385654, ClinGen allele CA7442599.

ClinVar aggregate classification (germline): Conflicting classifications of pathogenicity. Review status: criteria provided, conflicting classifications (1 of 4 stars). 5 submissions from 5 submitters: Uncertain significance (2); Likely benign (3). Last evaluated 2026-04-01.

Conditions:
Developmental delay with autism spectrum disorder and gait instability (MRT38). Also called: Intellectual developmental disorder, autosomal recessive 38. Identifiers: Orphanet 329195, MedGen C3809753, MONDO:0014224, OMIM 615516.

Allele frequency attached by ClinVar (database versions not stated): ESP Exome Variant Server 0.00046; gnomAD 0.00063 and 0.00076; TOPMed 0.00080; gnomAD exomes 0.00087; ExAC 0.00120; 1000 Genomes Project 30x 0.00187.
gnomAD v4.1: 1,251 of 1,611,796 alleles (0.078%); highest among the groups gnomAD compares: South Asian, 0.38%; 9 homozygotes.

Submissions (5):

CeGaT Center for Human Genetics Tuebingen
Classification: Likely benign. Last evaluated: 2026-04-01. Review status: criteria provided, single submitter. Criteria: CeGaT Center For Human Genetics Tuebingen Variant Classification Criteria Version 2. Collection method: clinical testing. Allele origin: germline. Affected: yes. Observed: 5 variant alleles.
Comment: HERC2: BS2

Women's Health and Genetics/Laboratory Corporation of America, LabCorp
Classification: Likely benign. Last evaluated: 2025-12-10. Review status: criteria provided, single submitter. Criteria: LabCorp Variant Classification Summary - May 2015. Collection method: clinical testing. Allele origin: germline.
Comment: Variant summary: HERC2 c.4625G>A (p.Arg1542His) results in a non-conservative amino acid change in the encoded protein sequence. Algorithms developed to predict the effect of missense changes on protein structure and function are either unavailable or do not agree on the potential impact of this missense change. The variant allele was found at a frequency of 0.00078 in 1611796 control chromosomes, predominantly at a frequency of 0.0038 within the South Asian subpopulation in the gnomAD database, including 8 homozygotes. The observed variant frequency within South Asian control individuals in the gnomAD database exceeds the estimated maximal expected allele frequency for disease-causing variants in HERC2. c.4625G>A has been observed in individual(s) affected with Intellectual Developmental Disorder (Abraham_2019). These report(s) do not provide unequivocal conclusions about association of the variant with Intellectual Developmental Disorder, Autosomal Recessive 38. To our knowledge, no experimental evidence demonstrating an impact on protein function has been reported. The following publication have been ascertained in the context of this evaluation (PMID: 30902390). ClinVar contains an entry for this variant (Variation ID: 452984). Based on the evidence outlined above, the variant was classified as likely benign.

GeneDx
Classification: Uncertain significance. Last evaluated: 2024-12-03. Review status: criteria provided, single submitter. Criteria: GeneDx Variant Classification Process June 2021. Collection method: clinical testing. Allele origin: germline. Affected: yes.
Comment: In silico analysis supports that this missense variant has a deleterious effect on protein structure/function; This variant is associated with the following publications: (PMID: 32571899, 34370298, 30902390)

Molecular Genetics, Royal Melbourne Hospital
Classification: Likely benign for Developmental delay with autism spectrum disorder and gait instability. Last evaluated: 2024-03-01. Review status: criteria provided, single submitter. Criteria: ACMG Guidelines, 2015. Collection method: clinical testing. Allele origin: germline. Inheritance: Autosomal recessive inheritance.

Breakthrough Genomics
Classification: Uncertain significance. Review status: criteria provided, single submitter. Criteria: ACMG Guidelines, 2015. Collection method: not provided. Allele origin: germline. Inheritance: Autosomal recessive inheritance. Affected: yes.

Literature cited by the submitters: PubMed 30902390 (cited by Women's Health and Genetics/Laboratory Corporation of America, LabCorp).